The following is an entry in ClinVar:

NM_014633.5(CTR9):c.2843A>G (p.Glu948Gly)

Gene: CTR9 (CTR9 component of Paf1/RNA polymerase II complex; plus strand). Cytogenetic location: 11p15.4.
Variant type: single nucleotide variant.
Coding change: c.2843A>G on transcript NM_014633.5 (MANE Select); coding-DNA position 2843, A replaced by G.
Protein change: p.Glu948Gly; replaces glutamic acid 948 with glycine.
Molecular consequence: missense variant.
Genome position (GRCh38, 1-based): chr11:10,774,127, A>G. VCF-style: chr11-10774127-A-G. GRCh37 (hg19) VCF-style: chr11-10795674-A-G.
Other names: c.2771A>G, p.Glu924Gly (NM_001346279.2); short protein forms E924G, E948G.
Identifiers: ClinVar variation 4706121 (VCV004706121.1).

ClinVar aggregate classification (germline): Uncertain significance (1 of 4 stars; one submission).

Submission:

Labcorp Genetics (formerly Invitae), Labcorp
Classification: Uncertain significance. Last evaluated: 2025-09-28. Review status: criteria provided, single submitter. Criteria: Invitae Variant Classification Sherloc (09022015). Collection method: clinical testing. Allele origin: germline.
Comment: This sequence change replaces glutamic acid, which is acidic and polar, with glycine, which is neutral and non-polar, at codon 948 of the CTR9 protein (p.Glu948Gly). This variant is not present in population databases (gnomAD no frequency). This variant has not been reported in the literature in individuals affected with CTR9-related conditions. An algorithm developed to predict the effect of missense changes on protein structure and function (PolyPhen-2) suggests that this variant is likely to be tolerated. In summary, the available evidence is currently insufficient to determine the role of this variant in disease. Therefore, it has been classified as a Variant of Uncertain Significance.